The following is an entry in ClinVar:

ClinVar aggregate classification (germline): Uncertain significance (1 of 4 stars; one submission).

Allele frequency attached by ClinVar (database versions not stated): TOPMed 0.00005.
gnomAD v4.1: 60 of 1,613,386 alleles (0.0037%); highest among the groups gnomAD compares: Middle Eastern, 0.082%; no homozygotes.

Submission:

Labcorp Genetics (formerly Invitae), Labcorp
Classification: Uncertain significance. Last evaluated: 2025-09-23. Review status: criteria provided, single submitter. Criteria: Invitae Variant Classification Sherloc (09022015). Collection method: clinical testing. Allele origin: germline.
Comment: This sequence change replaces arginine, which is basic and polar, with tryptophan, which is neutral and slightly polar, at codon 117 of the MICAL1 protein (p.Arg117Trp). This variant is present in population databases (rs200600122, gnomAD 0.02%). This variant has not been reported in the literature in individuals affected with MICAL1-related conditions. ClinVar contains an entry for this variant (Variation ID: 2187173). An algorithm developed to predict the effect of missense changes on protein structure and function (PolyPhen-2) suggests that this variant is likely to be disruptive. In summary, the available evidence is currently insufficient to determine the role of this variant in disease. Therefore, it has been classified as a Variant of Uncertain Significance.

NM_022765.4(MICAL1):c.292C>T (p.Arg98Trp)

Gene: MICAL1 (microtubule associated monooxygenase, calponin and LIM domain containing 1; minus strand). Cytogenetic location: 6q21.
Variant type: single nucleotide variant.
Coding change: c.292C>T on transcript NM_022765.4 (MANE Select); coding-DNA position 292, C replaced by T.
Protein change: p.Arg98Trp; replaces arginine 98 with tryptophan.
Molecular consequence: missense variant.
Genome position (GRCh38, 1-based): chr6:109,453,812, G>A on the plus strand (C>T on the coding strand, the complement: MICAL1 is on the minus strand). VCF-style: chr6-109453812-G-A. GRCh37 (hg19) VCF-style: chr6-109775015-G-A.
Other names: c.292C>T, p.Arg98Trp (NM_001159291.2); c.349C>T, p.Arg117Trp (NM_001286613.2); short protein forms R98W, R117W.
Identifiers: ClinVar variation 2187173 (VCV002187173.4), dbSNP rs200600122, ClinGen allele CA3953828.